The following is an entry in ClinVar:

ClinVar aggregate classification (germline): Uncertain significance (1 of 4 stars; one submission).

Conditions:
Rhabdoid tumor predisposition syndrome 2 (RTPS2). Identifiers: Orphanet 231108, Orphanet 69077, MedGen C2750074, MONDO:0013224, OMIM 613325.

Submission:

Labcorp Genetics (formerly Invitae), Labcorp
Classification: Uncertain significance for Rhabdoid tumor predisposition syndrome 2. Last evaluated: 2025-12-24. Review status: criteria provided, single submitter. Criteria: Invitae Variant Classification Sherloc (09022015). Collection method: clinical testing. Allele origin: germline.
Comment: This sequence change replaces glycine, which is neutral and non-polar, with glutamic acid, which is acidic and polar, at codon 163 of the SMARCA4 protein (p.Gly163Glu). This variant is not present in population databases (gnomAD no frequency). This variant has not been reported in the literature in individuals affected with SMARCA4-related conditions. Invitae Evidence Modeling of protein sequence and biophysical properties (such as structural, functional, and spatial information, amino acid conservation, physicochemical variation, residue mobility, and thermodynamic stability) indicates that this missense variant is not expected to disrupt SMARCA4 protein function with a negative predictive value of 95%. In summary, the available evidence is currently insufficient to determine the role of this variant in disease. Therefore, it has been classified as a Variant of Uncertain Significance.

NM_003072.5(SMARCA4):c.488G>A (p.Gly163Glu)

Gene: SMARCA4 (SWI/SNF related BAF chromatin remodeling complex subunit ATPase 4; plus strand). Cytogenetic location: 19p13.2.
Variant type: single nucleotide variant.
Coding change: c.488G>A on transcript NM_003072.5 (MANE Select); coding-DNA position 488, G replaced by A.
Protein change: p.Gly163Glu; replaces glycine 163 with glutamic acid.
Molecular consequence: missense variant. On other transcripts: non-coding transcript variant (1).
Genome position (GRCh38, 1-based): chr19:10,986,321, G>A. VCF-style: chr19-10986321-G-A. GRCh37 (hg19) VCF-style: chr19-11096997-G-A.
Other names: c.488G>A, p.Gly163Glu (NM_001128844.3, NM_001128845.2, NM_001128846.2 and 6 more transcripts); short protein forms G163E.
Identifiers: ClinVar variation 4802536 (VCV004802536.1).
Genomic context (GRCh38, chr19:10,986,321, plus strand): 5'-CCCAGATGTCTTCCGGGCCAGGAGGTGCCCCGCTGGATGGTGCTGACCCCCAGGCCTTGG[G>A]GCAGCAGAACCGGGGCCCAACCCCATTTAACCAGAACCAGCTGCACCAGCTCAGAGCTCA-3'
Protein context (NP_003063.2, residues 153-173): PLDGADPQAL[Gly163Glu]QQNRGPTPFN